The following is an entry in ClinVar:

ClinVar aggregate classification (germline): Benign (0 of 4 stars; one submission).

Conditions:
CCAR2-related disorder. Also called: CCAR2-related condition.

Allele frequency attached by ClinVar (database versions not stated): ESP Exome Variant Server 0.00008; gnomAD 0.00029; TOPMed 0.00051; ExAC 0.00086; 1000 Genomes Project 0.00120; 1000 Genomes Project 30x 0.00125.

Submission:

PreventionGenetics, part of Exact Sciences
Classification: Benign for CCAR2-related condition. Last evaluated: 2019-06-24. Review status: no assertion criteria provided. Collection method: clinical testing. Allele origin: germline.
Comment: This variant is classified as benign based on ACMG/AMP sequence variant interpretation guidelines (Richards et al. 2015 PMID: 25741868, with internal and published modifications).

NM_001393997.1(CCAR2):c.2457G>A (p.Ala819=)

Gene: CCAR2 (cell cycle and apoptosis regulator 2; plus strand). Cytogenetic location: 8p21.3.
Variant type: single nucleotide variant.
Coding change: c.2457G>A on transcript NM_001393997.1 (MANE Select); coding-DNA position 2457, G replaced by A.
Protein change: p.Ala819=; no amino-acid change (alanine 819 retained).
Molecular consequence: synonymous variant.
Genome position (GRCh38, 1-based): chr8:22,618,951, G>A. VCF-style: chr8-22618951-G-A. GRCh37 (hg19) VCF-style: chr8-22476464-G-A.
Other names: c.2454G>A, p.Ala818= (NM_001363068.2, NM_001363069.2); c.2457G>A, p.Ala819= (NM_021174.6).
Identifiers: ClinVar variation 3043228 (VCV003043228.2), dbSNP rs189318060, ClinGen allele CA4671177.